The following is an entry in ClinVar:

ClinVar aggregate classification (germline): VUS-high (0 of 4 stars; one submission).

Conditions:
Autosomal recessive nonsyndromic hearing loss 9. Also called: NEUROSENSORY NONSYNDROMIC RECESSIVE DEAFNESS 9; OTOF-Related Hearing Loss; Deafness, autosomal recessive 9; AUDITORY NEUROPATHY, AUTOSOMAL RECESSIVE, 1, TEMPERATURE-SENSITIVE. Identifiers: Orphanet 90636, MedGen C1832828, MONDO:0010986, OMIM 601071.

Submission:

Diagnosis and Treatment Center of Genetic Hearing Loss, Eye & ENT Hospital of Fudan University
Classification: VUS-high for Autosomal recessive nonsyndromic hearing loss 9. Last evaluated: 2026-02-04. Review status: no assertion criteria provided. Collection method: clinical testing. Allele origin: germline. Inheritance: Autosomal recessive inheritance. Affected: yes.
Comment: The c.960+5G>A splice donor variant in OTOF is absent from population databases (PM2_Supporting). It has been found in one patient in trans with likely pathogenic c.3321dup (c.[3321dup];[960+5G>A]) (PM3; PMID: 35640668). The MaxEntScan score is 6.95 (Var/Wt ratio 0.37) (PP3).

Literature cited by the submitters: PubMed 35640668.

NM_194248.3(OTOF):c.960+5G>A

Gene: OTOF (otoferlin; minus strand). Cytogenetic location: 2p23.3.
Variant type: single nucleotide variant.
Coding change: c.960+5G>A on transcript NM_194248.3 (MANE Select); 5 bases into the intron after coding-DNA position 960, G replaced by A.
Molecular consequence: intron variant.
Genome position (GRCh38, 1-based): chr2:26,489,673, C>T on the plus strand (G>A on the coding strand, the complement: OTOF is on the minus strand). VCF-style: chr2-26489673-C-T. GRCh37 (hg19) VCF-style: chr2-26712541-C-T.
Other names: c.960+5G>A (NM_001287489.2).
Identifiers: ClinVar variation 4879943 (VCV004879943.1).
Genomic context (GRCh38, chr2:26,489,673, plus strand): 5'-CAAGTCTGCACAAAGGTGCAGTTTGAGGGAGTGGCCCTGCCGGCCAGGGGCTGCTCCCCA[C>T]TCACCGAAATCTTGATGATCTTGTCAAACATGACATCCGGAGAGACATGGAAGTCGAAGA-3'